The following is an entry in ClinVar:

ClinVar aggregate classification (germline): Conflicting classifications of pathogenicity. Review status: criteria provided, conflicting classifications (1 of 4 stars). 5 submissions from 5 submitters: Uncertain significance (4); Benign (1). Last evaluated 2025-12-10.

Conditions:
Ehlers-Danlos syndrome, classic type, 1 (EDSCL1). Also called: Ehlers-Danlos Syndrome, Classic Type, COL5A1-Related; EDS I; Ehlers-Danlos syndrome, type 1; EHLERS-DANLOS SYNDROME, GRAVIS TYPE; EHLERS-DANLOS SYNDROME, SEVERE CLASSIC TYPE. Identifiers: MedGen C0268335, MONDO:0019567, OMIM 130000.
COL5A1-related disorder. Also called: COL5A1-related condition.
Familial thoracic aortic aneurysm and aortic dissection (TAAD). Also called: Thoracic aortic aneurysms and dissections. Identifiers: Orphanet 91387, MedGen C4707243, MONDO:0019625.

Allele frequency attached by ClinVar (database versions not stated): gnomAD 0.00001; gnomAD exomes 0.00001; TOPMed 0.00001; ExAC 0.00002.
gnomAD v4.1: 20 of 1,614,122 alleles (0.0012%); highest among the groups gnomAD compares: Admixed American, 0.0017%; no homozygotes.

Submissions (5):

Labcorp Genetics (formerly Invitae), Labcorp
Classification: Benign for Ehlers-Danlos syndrome, classic type, 1. Last evaluated: 2025-12-10. Review status: criteria provided, single submitter. Criteria: Invitae Variant Classification Sherloc (09022015). Collection method: clinical testing. Allele origin: germline.

PreventionGenetics, part of Exact Sciences
Classification: Uncertain significance for COL5A1-related condition. Last evaluated: 2025-08-31. Review status: criteria provided, single submitter. Criteria: ACMG Guidelines, 2015. Collection method: clinical testing. Allele origin: germline.
Comment: The COL5A1 c.1021G>A variant is predicted to result in the amino acid substitution p.Val341Met. To our knowledge, this variant has not been reported in the literature. This variant is reported in 0.0062% of alleles in individuals of African descent in gnomAD. At this time, the clinical significance of this variant is uncertain due to the absence of conclusive functional and genetic evidence.

Women's Health and Genetics/Laboratory Corporation of America, LabCorp
Classification: Uncertain significance. Last evaluated: 2024-02-11. Review status: criteria provided, single submitter. Criteria: LabCorp Variant Classification Summary - May 2015. Collection method: clinical testing. Allele origin: germline.

GeneDx
Classification: Uncertain significance. Last evaluated: 2022-11-25. Review status: criteria provided, single submitter. Criteria: GeneDx Variant Classification Process June 2021. Collection method: clinical testing. Allele origin: germline. Affected: yes.
Comment: Not observed at significant frequency in large population cohorts (gnomAD); In silico analysis supports that this missense variant does not alter protein structure/function; Has not been previously published as pathogenic or benign to our knowledge; Not located in the triple helical region, where the majority of pathogenic missense variants occur (Symoens et al., 2012; HGMD); This variant is associated with the following publications: (PMID: 22696272)

Ambry Genetics
Classification: Uncertain significance for Familial thoracic aortic aneurysm and aortic dissection. Last evaluated: 2017-05-15. Review status: criteria provided, single submitter. Criteria: Ambry Variant Classification Scheme 2023. Collection method: clinical testing. Allele origin: germline.
Comment: The p.V341M variant (also known as c.1021G>A), located in coding exon 7 of the COL5A1 gene, results from a G to A substitution at nucleotide position 1021. The valine at codon 341 is replaced by methionine, an amino acid with highly similar properties. This amino acid position is poorly conserved in available vertebrate species, and methionine is the reference amino acid in other vertebrate species. In addition, this alteration is predicted to be tolerated by in silico analysis. Since supporting evidence is limited at this time, the clinical significance of this alteration remains unclear.

NM_000093.5(COL5A1):c.1021G>A (p.Val341Met)

Gene: COL5A1 (collagen type V alpha 1 chain; plus strand). Cytogenetic location: 9q34.3.
Variant type: single nucleotide variant.
Coding change: c.1021G>A on transcript NM_000093.5 (MANE Select); coding-DNA position 1021, G replaced by A.
Protein change: p.Val341Met; replaces valine 341 with methionine.
Molecular consequence: missense variant.
Genome position (GRCh38, 1-based): chr9:134,730,332, G>A. VCF-style: chr9-134730332-G-A. GRCh37 (hg19) VCF-style: chr9-137622178-G-A.
Other names: c.1021G>A, p.Val341Met (NM_001278074.1); c.1021G>A (NM_000093.4); short protein forms V341M.
Identifiers: ClinVar variation 519650 (VCV000519650.10), dbSNP rs756703956, ClinGen allele CA5318619.